The following is an entry in ClinVar:

ClinVar aggregate classification (germline): Benign/Likely benign. Review status: criteria provided, multiple submitters, no conflicts (2 of 4 stars). 3 submissions from 3 submitters: Benign (1); Likely benign (2). Last evaluated 2025-11-10.

Conditions:
Renal cell carcinoma. Identifiers: Orphanet 217071, MedGen C0007134, MeSH D002292, MONDO:0005086, HP:0005584.
Hereditary cancer-predisposing syndrome. Also called: Neoplastic Syndromes, Hereditary; Tumor predisposition; Hereditary Cancer Syndrome; Hereditary neoplastic syndrome. Identifiers: Orphanet 140162, MedGen C0027672, MeSH D009386, MONDO:0015356.
Papillary renal cell carcinoma type 1 (RCCP1). Also called: RENAL CELL CARCINOMA, PAPILLARY, 1, SOMATIC; Renal adenocarcinoma; Renal cell carcinoma 1; Renal cell carcinoma, somatic. Identifiers: Orphanet 47044, MedGen C1336839, OMIM 605074, HP:0011797.

Allele frequency attached by ClinVar (database versions not stated): gnomAD exomes below 0.00001; TOPMed below 0.00001; gnomAD 0.00001.
gnomAD v4.1: 2 of 1,613,956 alleles (0.00012%); highest among the groups gnomAD compares: Non-Finnish European, 0.00017%; no homozygotes.

Submissions (3):

Labcorp Genetics (formerly Invitae), Labcorp
Classification: Likely benign for Renal cell carcinoma. Last evaluated: 2025-11-10. Review status: criteria provided, single submitter. Criteria: Invitae Variant Classification Sherloc (09022015). Collection method: clinical testing. Allele origin: germline.

Myriad Genetics, Inc.
Classification: Benign for Papillary renal cell carcinoma type 1. Last evaluated: 2024-11-07. Review status: criteria provided, single submitter. Criteria: Myriad Autosomal Dominant, Autosomal Recessive and X-Linked Classification Criteria (2023). Collection method: clinical testing. Allele origin: unknown.
Comment: This variant is considered benign. This variant is a silent/synonymous amino acid change and it is not expected to impact splicing.

Ambry Genetics
Classification: Likely benign for Hereditary cancer-predisposing syndrome. Last evaluated: 2019-05-18. Review status: criteria provided, single submitter. Criteria: Ambry Variant Classification Scheme 2023. Collection method: clinical testing. Allele origin: germline.

NM_000245.4(MET):c.1635T>C (p.Cys545=)

Gene: MET (MET proto-oncogene, receptor tyrosine kinase; plus strand). Cytogenetic location: 7q31.2.
Variant type: single nucleotide variant.
Coding change: c.1635T>C on transcript NM_000245.4 (MANE Select); coding-DNA position 1635, T replaced by C.
Protein change: p.Cys545=; no amino-acid change (cysteine 545 retained).
Molecular consequence: synonymous variant.
Genome position (GRCh38, 1-based): chr7:116,740,959, T>C. VCF-style: chr7-116740959-T-C. GRCh37 (hg19) VCF-style: chr7-116381013-T-C.
Other names: c.1635T>C, p.Cys545= (NM_001127500.3, NM_001324401.3); c.345T>C, p.Cys115= (NM_001324402.2).
Identifiers: ClinVar variation 819653 (VCV000819653.14), dbSNP rs1465559829, ClinGen allele CA457215608.